The following is an entry in ClinVar:

ClinVar aggregate classification (germline): Uncertain significance (1 of 4 stars; one submission).

Conditions:
Frontotemporal dementia and/or amyotrophic lateral sclerosis 4. Also called: FTDALS4. Identifiers: Orphanet 275872, MedGen C4225325, MONDO:0014641, OMIM 616439.

Allele frequency attached by ClinVar (database versions not stated): gnomAD exomes below 0.00001.

Submission:

Labcorp Genetics (formerly Invitae), Labcorp
Classification: Uncertain significance for Frontotemporal dementia and/or amyotrophic lateral sclerosis 4. Last evaluated: 2024-12-28. Review status: criteria provided, single submitter. Criteria: Invitae Variant Classification Sherloc (09022015). Collection method: clinical testing. Allele origin: germline.
Comment: This sequence change replaces glutamic acid, which is acidic and polar, with glycine, which is neutral and non-polar, at codon 147 of the TBK1 protein (p.Glu147Gly). This variant is not present in population databases (gnomAD no frequency). This variant has not been reported in the literature in individuals affected with TBK1-related conditions. ClinVar contains an entry for this variant (Variation ID: 2956885). Invitae Evidence Modeling of protein sequence and biophysical properties (such as structural, functional, and spatial information, amino acid conservation, physicochemical variation, residue mobility, and thermodynamic stability) indicates that this missense variant is not expected to disrupt TBK1 protein function with a negative predictive value of 95%. In summary, the available evidence is currently insufficient to determine the role of this variant in disease. Therefore, it has been classified as a Variant of Uncertain Significance.

NM_013254.4(TBK1):c.440A>G (p.Glu147Gly)

Gene: TBK1 (TANK binding kinase 1; plus strand). Cytogenetic location: 12q14.2.
Variant type: single nucleotide variant.
Coding change: c.440A>G on transcript NM_013254.4 (MANE Select); coding-DNA position 440, A replaced by G.
Protein change: p.Glu147Gly; replaces glutamic acid 147 with glycine.
Molecular consequence: missense variant.
Genome position (GRCh38, 1-based): chr12:64,466,982, A>G. VCF-style: chr12-64466982-A-G. GRCh37 (hg19) VCF-style: chr12-64860762-A-G.
Other names: short protein forms E147G.
Identifiers: ClinVar variation 2956885 (VCV002956885.3), dbSNP rs1413002402, ClinGen allele CA385596049.